The following is an entry in ClinVar:

ClinVar aggregate classification (germline): Benign (0 of 4 stars; one submission).

Conditions:
CYP1A1-related disorder. Also called: CYP1A1-related condition.

Allele frequency attached by ClinVar (database versions not stated): 1000 Genomes Project 0.00020; 1000 Genomes Project 30x 0.00031; ESP Exome Variant Server 0.00062; TOPMed 0.00074; gnomAD 0.00076; ExAC 0.00084.

Submission:

PreventionGenetics, part of Exact Sciences
Classification: Benign for CYP1A1-related condition. Last evaluated: 2019-06-11. Review status: no assertion criteria provided. Collection method: clinical testing. Allele origin: germline.
Comment: This variant is classified as benign based on ACMG/AMP sequence variant interpretation guidelines (Richards et al. 2015 PMID: 25741868, with internal and published modifications).

NM_001319217.2(CYP1A1):c.1444G>A (p.Val482Met)

Gene: CYP1A1 (cytochrome P450 family 1 subfamily A member 1; minus strand). Cytogenetic location: 15q24.1.
Variant type: single nucleotide variant.
Coding change: c.1444G>A on transcript NM_001319217.2 (MANE Select); coding-DNA position 1444, G replaced by A.
Protein change: p.Val482Met; replaces valine 482 with methionine.
Molecular consequence: missense variant.
Genome position (GRCh38, 1-based): chr15:74,720,584, C>T on the plus strand (G>A on the coding strand, the complement: CYP1A1 is on the minus strand). VCF-style: chr15-74720584-C-T. GRCh37 (hg19) VCF-style: chr15-75012925-C-T.
Other names: c.1444G>A, p.Val482Met (NM_000499.5); c.1357G>A, p.Val453Met (NM_001319216.2); short protein forms V453M, V482M.
Identifiers: ClinVar variation 3033158 (VCV003033158.2), dbSNP rs28399429, ClinGen allele CA7659216.